The following is an entry in ClinVar:

ClinVar aggregate classification (germline): Uncertain significance (1 of 4 stars; one submission).

Conditions:
Generalized epilepsy with febrile seizures plus, type 9 (GEFSP9). Also called: GEFS+, TYPE 9. Identifiers: Orphanet 36387, MedGen C4015395, MONDO:0014517, OMIM 616172.

Submission:

Labcorp Genetics (formerly Invitae), Labcorp
Classification: Uncertain significance for Generalized epilepsy with febrile seizures plus, type 9. Last evaluated: 2023-06-29. Review status: criteria provided, single submitter. Criteria: Invitae Variant Classification Sherloc (09022015). Collection method: clinical testing. Allele origin: germline.
Comment: Algorithms developed to predict the effect of sequence changes on RNA splicing suggest that this variant may disrupt the consensus splice site. Advanced modeling of protein sequence and biophysical properties (such as structural, functional, and spatial information, amino acid conservation, physicochemical variation, residue mobility, and thermodynamic stability) performed at Invitae indicates that this missense variant is not expected to disrupt STX1B protein function. ClinVar contains an entry for this variant (Variation ID: 657951). This variant has not been reported in the literature in individuals affected with STX1B-related conditions. This variant is not present in population databases (gnomAD no frequency). This sequence change replaces aspartic acid, which is acidic and polar, with glycine, which is neutral and non-polar, at codon 178 of the STX1B protein (p.Asp178Gly). In summary, the available evidence is currently insufficient to determine the role of this variant in disease. Therefore, it has been classified as a Variant of Uncertain Significance.

NM_052874.5(STX1B):c.533A>G (p.Asp178Gly)

Gene: STX1B (syntaxin 1B; minus strand). Cytogenetic location: 16p11.2.
Variant type: single nucleotide variant.
Coding change: c.533A>G on transcript NM_052874.5 (MANE Select); coding-DNA position 533, A replaced by G.
Protein change: p.Asp178Gly; replaces aspartic acid 178 with glycine.
Molecular consequence: missense variant.
Genome position (GRCh38, 1-based): chr16:30,996,687, T>C on the plus strand (A>G on the coding strand, the complement: STX1B is on the minus strand). VCF-style: chr16-30996687-T-C. GRCh37 (hg19) VCF-style: chr16-31008008-T-C.
Other names: short protein forms D178G.
Identifiers: ClinVar variation 657951 (VCV000657951.8), dbSNP rs1596716568, ClinGen allele CA395648650.